The following is an entry in ClinVar:

NM_004789.4(LHX2):c.1017G>C (p.Ala339=)

Gene: LHX2 (LIM homeobox 2; plus strand). Cytogenetic location: 9q33.3.
Variant type: single nucleotide variant.
Coding change: c.1017G>C on transcript NM_004789.4 (MANE Select); coding-DNA position 1017, G replaced by C.
Protein change: p.Ala339=; no amino-acid change (alanine 339 retained).
Molecular consequence: synonymous variant.
Genome position (GRCh38, 1-based): chr9:124,032,503, G>C. VCF-style: chr9-124032503-G-C. GRCh37 (hg19) VCF-style: chr9-126794782-G-C.
Other names: c.1017G>C (NM_004789.3).
Identifiers: ClinVar variation 2659491 (VCV002659491.25), dbSNP rs138022431, ClinGen allele CA5233995.

ClinVar aggregate classification (germline): Likely benign. Review status: criteria provided, single submitter (1 of 4 stars). 2 submissions from 2 submitters: Likely benign (1). 1 of the submissions does not count toward it. Last evaluated 2022-06-01.

Conditions:
LHX2-related disorder. Also called: LHX2-related condition.

Allele frequency attached by ClinVar (database versions not stated): 1000 Genomes Project 30x 0.00031; 1000 Genomes Project 0.00040; ESP Exome Variant Server 0.00115.
gnomAD v4.1: 1,551 of 1,613,136 alleles (0.096%); highest among the groups gnomAD compares: Non-Finnish European, 0.09%; 1 homozygote.

Submissions (2):

CeGaT Center for Human Genetics Tuebingen
Classification: Likely benign. Last evaluated: 2022-06-01. Review status: criteria provided, single submitter. Criteria: CeGaT Center For Human Genetics Tuebingen Variant Classification Criteria Version 2. Collection method: clinical testing. Allele origin: germline. Affected: yes. Observed: 1 variant allele.
Comment: LHX2: BP4, BP7

PreventionGenetics, part of Exact Sciences
Classification: Likely benign for LHX2-related condition. Last evaluated: 2019-06-25. Review status: no assertion criteria provided. Collection method: clinical testing. Allele origin: germline. Not counted in ClinVar's aggregate classification.
Comment: This variant is classified as likely benign based on ACMG/AMP sequence variant interpretation guidelines (Richards et al. 2015 PMID: 25741868, with internal and published modifications).